The following is an entry in ClinVar:

NM_001003722.2(GLE1):c.1130-1G>C

Gene: GLE1 (GLE1 RNA export mediator; plus strand). Cytogenetic location: 9q34.11.
Variant type: single nucleotide variant.
Coding change: c.1130-1G>C on transcript NM_001003722.2 (MANE Select); the canonical splice acceptor site of the intron before coding-DNA position 1130, G replaced by C.
Molecular consequence: splice acceptor variant.
Genome position (GRCh38, 1-based): chr9:128,527,178, G>C. VCF-style: chr9-128527178-G-C. GRCh37 (hg19) VCF-style: chr9-131289457-G-C.
Other names: c.1130-1G>C (NM_001499.2, NM_001411013.1).
Identifiers: ClinVar variation 1505675 (VCV001505675.6), dbSNP rs2132472434, ClinGen allele CA375041575.

ClinVar aggregate classification (germline): Likely pathogenic (1 of 4 stars; one submission).

Submission:

Labcorp Genetics (formerly Invitae), Labcorp
Classification: Likely pathogenic. Last evaluated: 2021-11-07. Review status: criteria provided, single submitter. Criteria: Invitae Variant Classification Sherloc (09022015). Collection method: clinical testing. Allele origin: germline.
Comment: This variant is not present in population databases (gnomAD no frequency). This sequence change affects an acceptor splice site in intron 7 of the GLE1 gene. It is expected to disrupt RNA splicing. Variants that disrupt the donor or acceptor splice site typically lead to a loss of protein function (PMID: 16199547), and loss-of-function variants in GLE1 are known to be pathogenic (PMID: 18204449, 24243016, 27684565). This variant has not been reported in the literature in individuals affected with GLE1-related conditions. Algorithms developed to predict the effect of sequence changes on RNA splicing suggest that this variant may disrupt the consensus splice site. In summary, the currently available evidence indicates that the variant is pathogenic, but additional data are needed to prove that conclusively. Therefore, this variant has been classified as Likely Pathogenic.

Literature cited by the submitters: PubMed 16199547; PubMed 18204449; PubMed 24243016; PubMed 27684565.